The following is an entry in ClinVar:

ClinVar aggregate classification (germline): Conflicting classifications of pathogenicity. Review status: criteria provided, conflicting classifications (1 of 4 stars). 4 submissions from 4 submitters: Uncertain significance (3); Likely benign (1). Last evaluated 2026-06-16.

Conditions:
Neuroblastoma, susceptibility to, 3. Also called: ALK-Related Neuroblastic Tumor Susceptibility. Identifiers: Orphanet 635, MedGen C2751681, MONDO:0013083, OMIM 613014.
Hereditary cancer-predisposing syndrome. Also called: Neoplastic Syndromes, Hereditary; Hereditary Cancer Syndrome; Hereditary neoplastic syndrome; Tumor predisposition. Identifiers: Orphanet 140162, MedGen C0027672, MeSH D009386, MONDO:0015356.

Allele frequency attached by ClinVar (database versions not stated): gnomAD exomes 0.00001 and 0.00002; ExAC 0.00002; gnomAD 0.00002; TOPMed 0.00003.
gnomAD v4.1: 14 of 1,614,038 alleles (0.00087%); highest among the groups gnomAD compares: Middle Eastern, 0.016%; no homozygotes.

Submissions (4):

Ambry Genetics
Classification: Likely benign for Hereditary cancer-predisposing syndrome. Last evaluated: 2026-06-16. Review status: criteria provided, single submitter. Criteria: Ambry Variant Classification Scheme 2023. Collection method: clinical testing. Allele origin: germline.

Labcorp Genetics (formerly Invitae), Labcorp
Classification: Uncertain significance for Neuroblastoma, susceptibility to, 3. Last evaluated: 2025-12-17. Review status: criteria provided, single submitter. Criteria: Invitae Variant Classification Sherloc (09022015). Collection method: clinical testing. Allele origin: germline.
Comment: This sequence change replaces serine, which is neutral and polar, with leucine, which is neutral and non-polar, at codon 350 of the ALK protein (p.Ser350Leu). This variant is present in population databases (rs759426382, gnomAD 0.007%). This variant has not been reported in the literature in individuals affected with ALK-related conditions. ClinVar contains an entry for this variant (Variation ID: 653709). An algorithm developed to predict the effect of missense changes on protein structure and function (PolyPhen-2) suggests that this variant is likely to be tolerated. In summary, the available evidence is currently insufficient to determine the role of this variant in disease. Therefore, it has been classified as a Variant of Uncertain Significance.

GeneDx
Classification: Uncertain significance. Last evaluated: 2024-09-11. Review status: criteria provided, single submitter. Criteria: GeneDx Variant Classification Process June 2021. Collection method: clinical testing. Allele origin: germline. Affected: yes.
Comment: Not observed at significant frequency in large population cohorts (gnomAD); In silico analysis indicates that this missense variant does not alter protein structure/function; Has not been previously published as pathogenic or benign to our knowledge

Illumina Laboratory Services, Illumina
Classification: Uncertain significance for Neuroblastoma, susceptibility to, 3. Last evaluated: 2018-01-12. Review status: criteria provided, single submitter. Criteria: ICSL Variant Classification Criteria 13 December 2019. Collection method: clinical testing. Allele origin: germline.

NM_004304.5(ALK):c.1049C>T (p.Ser350Leu)

Gene: ALK (ALK receptor tyrosine kinase; minus strand). Cytogenetic location: 2p23.2.
Variant type: single nucleotide variant.
Coding change: c.1049C>T on transcript NM_004304.5 (MANE Select); coding-DNA position 1049, C replaced by T.
Protein change: p.Ser350Leu; replaces serine 350 with leucine.
Molecular consequence: missense variant.
Genome position (GRCh38, 1-based): chr2:29,532,020, G>A on the plus strand (C>T on the coding strand, the complement: ALK is on the minus strand). VCF-style: chr2-29532020-G-A. GRCh37 (hg19) VCF-style: chr2-29754886-G-A.
Other names: short protein forms S350L.
Identifiers: ClinVar variation 653709 (VCV000653709.17), dbSNP rs759426382, ClinGen allele CA1594774.